The following is an entry in ClinVar:

ClinVar aggregate classification (germline): Likely benign (1 of 4 stars; one submission).

Allele frequency attached by ClinVar (database versions not stated): TOPMed below 0.00001; gnomAD 0.00001; ExAC 0.00002; gnomAD exomes 0.00003 and 0.00004.
gnomAD v4.1: 65 of 1,614,038 alleles (0.004%); highest among the groups gnomAD compares: Non-Finnish European, 0.0049%; no homozygotes.

Submission:

GeneDx
Classification: Likely benign. Last evaluated: 2016-02-22. Review status: criteria provided, single submitter. Criteria: GeneDx Variant Classification (06012015). Collection method: clinical testing. Allele origin: germline. Affected: yes.
Comment: This variant is considered likely benign or benign based on one or more of the following criteria: it is a conservative change, it occurs at a poorly conserved position in the protein, it is predicted to be benign by multiple in silico algorithms, and/or has population frequency not consistent with disease.

NM_000391.4(TPP1):c.-12C>T

Gene: TPP1 (tripeptidyl peptidase 1; minus strand). Cytogenetic location: 11p15.4.
Variant type: single nucleotide variant.
Coding change: c.-12C>T on transcript NM_000391.4 (MANE Select); 12 bases upstream of the start codon, C replaced by T.
Molecular consequence: 5 prime UTR variant.
Genome position (GRCh38, 1-based): chr11:6,619,412, G>A on the plus strand (C>T on the coding strand, the complement: TPP1 is on the minus strand). VCF-style: chr11-6619412-G-A. GRCh37 (hg19) VCF-style: chr11-6640643-G-A.
Identifiers: ClinVar variation 383722 (VCV000383722.1), dbSNP rs770733577, ClinGen allele CA5859110.